The following is an entry in ClinVar:

NM_001127671.2(LIFR):c.1291+2T>C

Gene: LIFR (LIF receptor subunit alpha; minus strand). Cytogenetic location: 5p13.1.
Variant type: single nucleotide variant.
Coding change: c.1291+2T>C on transcript NM_001127671.2 (MANE Select); the canonical splice donor site of the intron after coding-DNA position 1291, T replaced by C.
Molecular consequence: splice donor variant.
Genome position (GRCh38, 1-based): chr5:38,505,903, A>G on the plus strand (T>C on the coding strand, the complement: LIFR is on the minus strand). VCF-style: chr5-38505903-A-G. GRCh37 (hg19) VCF-style: chr5-38506005-A-G.
Other names: c.1291+2T>C (NM_002310.6, NM_001364298.2, NM_001364297.2).
Identifiers: ClinVar variation 2094495 (VCV002094495.5), dbSNP rs2531043713, ClinGen allele CA359543130.

ClinVar aggregate classification (germline): Likely pathogenic. Review status: criteria provided, multiple submitters, no conflicts (2 of 4 stars). 2 submissions from 2 submitters: Likely pathogenic (2). Last evaluated 2024-02-08.

Conditions:
Stüve-Wiedemann syndrome 1. Also called: STUVE-WIEDEMANN/SCHWARTZ-JAMPEL TYPE 2 SYNDROME. Identifiers: Orphanet 3206, MedGen C5676888, MONDO:0800043, OMIM 601559.

Allele frequency attached by ClinVar (database versions not stated): gnomAD exomes below 0.00001.
gnomAD v4.1: 1 of 1,597,676 alleles (0.000063%); highest among the groups gnomAD compares: Non-Finnish European, 0.000086%; no homozygotes.

Submissions (2):

Fulgent Genetics
Classification: Likely pathogenic for Stüve-Wiedemann syndrome 1. Last evaluated: 2024-02-08. Review status: criteria provided, single submitter. Criteria: ACMG Guidelines, 2015. Collection method: clinical testing. Allele origin: germline.

Labcorp Genetics (formerly Invitae), Labcorp
Classification: Likely pathogenic. Last evaluated: 2022-02-08. Review status: criteria provided, single submitter. Criteria: Invitae Variant Classification Sherloc (09022015). Collection method: clinical testing. Allele origin: germline.
Comment: In summary, the currently available evidence indicates that the variant is pathogenic, but additional data are needed to prove that conclusively. Therefore, this variant has been classified as Likely Pathogenic. Algorithms developed to predict the effect of sequence changes on RNA splicing suggest that this variant may disrupt the consensus splice site. This sequence change affects a donor splice site in intron 9 of the LIFR gene. It is expected to disrupt RNA splicing. Variants that disrupt the donor or acceptor splice site typically lead to a loss of protein function (PMID: 16199547), and loss-of-function variants in LIFR are known to be pathogenic (PMID: 14740318). This variant is not present in population databases (gnomAD no frequency). This variant has not been reported in the literature in individuals affected with LIFR-related conditions.

Literature cited by the submitters: PubMed 16199547 (cited by Labcorp Genetics (formerly Invitae), Labcorp); PubMed 14740318 (cited by Labcorp Genetics (formerly Invitae), Labcorp).